The following is an entry in ClinVar:

ClinVar aggregate classification (germline): Uncertain significance (1 of 4 stars; one submission).

Conditions:
Ectodermal dysplasia and immunodeficiency 2. Identifiers: Orphanet 238468, Orphanet 98813, MedGen C2677481, MONDO:0012806, OMIM 612132.

Submission:

Labcorp Genetics (formerly Invitae), Labcorp
Classification: Uncertain significance for Ectodermal dysplasia and immunodeficiency 2. Last evaluated: 2022-09-05. Review status: criteria provided, single submitter. Criteria: Invitae Variant Classification Sherloc (09022015). Collection method: clinical testing. Allele origin: germline.
Comment: In summary, the available evidence is currently insufficient to determine the role of this variant in disease. Therefore, it has been classified as a Variant of Uncertain Significance. This sequence change replaces arginine, which is basic and polar, with proline, which is neutral and non-polar, at codon 140 of the NFKBIA protein (p.Arg140Pro). This variant is not present in population databases (gnomAD no frequency). This variant has not been reported in the literature in individuals affected with NFKBIA-related conditions. Algorithms developed to predict the effect of missense changes on protein structure and function are either unavailable or do not agree on the potential impact of this missense change (SIFT: "Tolerated"; PolyPhen-2: "Probably Damaging"; Align-GVGD: "Class C0").

NM_020529.3(NFKBIA):c.419G>C (p.Arg140Pro)

Genes: NFKBIA (NFKB inhibitor alpha; minus strand), LOC130055494 (ATAC-STARR-seq lymphoblastoid active region 8276; plus strand). Cytogenetic location: 14q13.2.
Variant type: single nucleotide variant.
Coding change: c.419G>C on transcript NM_020529.3 (MANE Select); coding-DNA position 419, G replaced by C.
Protein change: p.Arg140Pro; replaces arginine 140 with proline.
Molecular consequence: missense variant.
Genome position (GRCh38, 1-based): chr14:35,403,278, C>G on the plus strand (G>C on the coding strand, the complement: NFKBIA is on the minus strand). VCF-style: chr14-35403278-C-G. GRCh37 (hg19) VCF-style: chr14-35872484-C-G.
Other names: short protein forms R140P.
Identifiers: ClinVar variation 2197521 (VCV002197521.4), dbSNP rs771984394, ClinGen allele CA389453408.